The following is an entry in ClinVar:

NM_032242.4(PLXNA1):c.2222G>A (p.Gly741Glu)

Gene: PLXNA1 (plexin A1; plus strand). Cytogenetic location: 3q21.3.
Variant type: single nucleotide variant.
Coding change: c.2222G>A on transcript NM_032242.4 (MANE Select); coding-DNA position 2222, G replaced by A.
Protein change: p.Gly741Glu; replaces glycine 741 with glutamic acid.
Molecular consequence: missense variant.
Genome position (GRCh38, 1-based): chr3:127,012,067, G>A. VCF-style: chr3-127012067-G-A. GRCh37 (hg19) VCF-style: chr3-126730910-G-A.
Other names: short protein forms G741E.
Identifiers: ClinVar variation 4991467 (VCV004991467.1).

ClinVar aggregate classification (germline): Uncertain significance (1 of 4 stars; one submission).

Conditions:
PLXNA1-related disorder. Also called: PLXNA1-related condition.

gnomAD v4.1: 1 of 1,613,722 alleles (0.000062%); highest among the groups gnomAD compares: African/African-American, 0.0013%; no homozygotes.

Submission:

PreventionGenetics, part of Exact Sciences
Classification: Uncertain significance for PLXNA1-related condition. Last evaluated: 2026-09-09. Review status: criteria provided, single submitter. Criteria: ACMG Guidelines, 2015. Collection method: clinical testing. Allele origin: germline.
Comment: The PLXNA1 c.2222G>A variant is predicted to result in the amino acid substitution p.Gly741Glu. To our knowledge, this variant has not been reported in the literature or in a large population database (gnomAD), indicating this variant is rare. At this time, the clinical significance of this variant is uncertain due to the absence of conclusive functional and genetic evidence.